The following is an entry in ClinVar:

ClinVar aggregate classification (germline): Conflicting classifications of pathogenicity. Review status: criteria provided, conflicting classifications (1 of 4 stars). 5 submissions from 5 submitters: Uncertain significance (1); Benign (1); Likely benign (3). Last evaluated 2026-01-05.

Conditions:
TUFM-related disorder. Also called: TUFM-related condition.
Inborn genetic diseases. Identifiers: MedGen C0950123, MeSH D030342.
Combined oxidative phosphorylation defect type 4. Identifiers: Orphanet 254925, MedGen C1857682, MONDO:0012534, OMIM 610678.

Allele frequency attached by ClinVar (database versions not stated): gnomAD exomes 0.00039; ExAC 0.00055; 1000 Genomes Project 0.00120; gnomAD 0.00184 and 0.00200; 1000 Genomes Project 30x 0.00203; TOPMed 0.00203; ESP Exome Variant Server 0.00208.

Submissions (5):

Labcorp Genetics (formerly Invitae), Labcorp
Classification: Benign. Last evaluated: 2026-01-05. Review status: criteria provided, single submitter. Criteria: Invitae Variant Classification Sherloc (09022015). Collection method: clinical testing. Allele origin: germline.

PreventionGenetics, part of Exact Sciences
Classification: Likely benign for TUFM-related condition. Last evaluated: 2025-01-25. Review status: criteria provided, single submitter. Criteria: ACMG Guidelines, 2015. Collection method: clinical testing. Allele origin: germline.
Comment: This variant is classified as likely benign based on ACMG/AMP sequence variant interpretation guidelines (Richards et al. 2015 PMID: 25741868, with internal and published modifications).

Ambry Genetics
Classification: Likely benign for Inborn genetic diseases. Last evaluated: 2023-07-19. Review status: criteria provided, single submitter. Criteria: Ambry Variant Classification Scheme 2023. Collection method: clinical testing. Allele origin: germline.

GeneDx
Classification: Uncertain significance. Last evaluated: 2018-08-02. Review status: criteria provided, single submitter. Criteria: GeneDx Variant Classification (06012015). Collection method: clinical testing. Allele origin: germline. Affected: yes.
Comment: The N431S variant has not been published as a mutation, nor has it been reported as a benign polymorphism to our knowledge. The N431S variant is a conservative amino acid substitution, which is not likely to impact secondary protein structure as these residues share similar properties. This substitution occurs at a position that is not conserved across species. In silico analysis is inconsistent in its predictions as to whether or not the variant is damaging to the protein structure/function. Therefore, based on the currently available information, it is unclear whether this variant is a pathogenic mutation or a rare benign variant.

Illumina Laboratory Services, Illumina
Classification: Likely benign for Combined oxidative phosphorylation defect type 4. Last evaluated: 2018-01-13. Review status: criteria provided, single submitter. Criteria: ICSL Variant Classification Criteria 13 December 2019. Collection method: clinical testing. Allele origin: germline.
Comment: This variant was observed in the ICSL laboratory as part of a predisposition screen in an ostensibly healthy population. It had not been previously curated by ICSL or reported in the Human Gene Mutation Database (HGMD: prior to June 1st, 2018), and was therefore a candidate for classification through an automated scoring system. Utilizing variant allele frequency, disease prevalence and penetrance estimates, and inheritance mode, an automated score was calculated to assess if this variant is too frequent to cause the disease. Based on the score and internal cut-off values, a variant classified as likely benign is not then subjected to further curation. The score for this variant resulted in a classification of likely benign for this disease.

NM_003321.5(TUFM):c.1292A>G (p.Asn431Ser)

Gene: TUFM (Tu translation elongation factor, mitochondrial; minus strand). Cytogenetic location: 16p11.2.
Variant type: single nucleotide variant.
Coding change: c.1292A>G on transcript NM_003321.5 (MANE Select); coding-DNA position 1292, A replaced by G.
Protein change: p.Asn431Ser; replaces asparagine 431 with serine.
Molecular consequence: missense variant.
Genome position (GRCh38, 1-based): chr16:28,843,051, T>C on the plus strand (A>G on the coding strand, the complement: TUFM is on the minus strand). VCF-style: chr16-28843051-T-C. GRCh37 (hg19) VCF-style: chr16-28854372-T-C.
Other names: c.1208A>G, p.Asn403Ser (NM_001365360.2); short protein forms N431S, N403S.
Identifiers: ClinVar variation 215313 (VCV000215313.17), dbSNP rs146326033, ClinGen allele CA325316.